The following is an entry in ClinVar:

ClinVar aggregate classification (germline): Uncertain significance (1 of 4 stars; one submission).

Conditions:
Koolen-de Vries syndrome (KDVS). Identifiers: Orphanet 96169, MedGen C1864871, MONDO:0012496, OMIM 610443.

Submission:

Labcorp Genetics (formerly Invitae), Labcorp
Classification: Uncertain significance for Koolen-de Vries syndrome. Last evaluated: 2025-03-27. Review status: criteria provided, single submitter. Criteria: Invitae Variant Classification Sherloc (09022015). Collection method: clinical testing. Allele origin: germline.
Comment: This sequence change replaces arginine, which is basic and polar, with serine, which is neutral and polar, at codon 787 of the KANSL1 protein (p.Arg787Ser). This variant is not present in population databases (gnomAD no frequency). This variant has not been reported in the literature in individuals affected with KANSL1-related conditions. Invitae Evidence Modeling of protein sequence and biophysical properties (such as structural, functional, and spatial information, amino acid conservation, physicochemical variation, residue mobility, and thermodynamic stability) indicates that this missense variant is not expected to disrupt KANSL1 protein function with a negative predictive value of 80%. In summary, the available evidence is currently insufficient to determine the role of this variant in disease. Therefore, it has been classified as a Variant of Uncertain Significance.

NM_015443.4(KANSL1):c.2361A>T (p.Arg787Ser)

Gene: KANSL1 (KAT8 regulatory NSL complex subunit 1). Cytogenetic location: 17q21.31.
Variant type: single nucleotide variant.
Coding change: c.2361A>T on transcript NM_015443.4 (MANE Select); coding-DNA position 2361, A replaced by T.
Protein change: p.Arg787Ser; replaces arginine 787 with serine.
Molecular consequence: missense variant. On other transcripts: intron variant (8).
Genome position (GRCh38, 1-based): chr17:46,039,058, T>A on the plus strand (A>T on the coding strand, the complement: KANSL1 is on the minus strand). VCF-style: chr17-46039058-T-A. GRCh37 (hg19) VCF-style: chr17-44116424-T-A.
Other names: c.2361A>T, p.Arg787Ser (NM_001193465.2, NM_001193466.2, NM_001379198.1 and 8 more transcripts); c.2259A>T, p.Arg753Ser (NM_001405859.1, NM_001405860.1, NM_001405861.1 and 1 more transcripts); c.1095A>T, p.Arg365Ser (NM_001405882.1, NM_001405883.1); c.938-372A>T (NM_001405885.1, NM_001405884.1); c.2204-372A>T (NM_001405879.1, NM_001405875.1, NM_001405878.1 and 3 more transcripts); short protein forms R753S, R787S, R365S.
Identifiers: ClinVar variation 4741280 (VCV004741280.1).